The following is an entry in ClinVar:

ClinVar aggregate classification (germline): Uncertain significance (1 of 4 stars; one submission).

Conditions:
Familial adenomatous polyposis 1 (FAP1). Also called: FAMILIAL ADENOMATOUS POLYPOSIS 1, ATTENUATED; POLYPOSIS, ADENOMATOUS INTESTINAL. Identifiers: MedGen C2713442, MONDO:0021056, OMIM 175100. Disease mechanism: loss of function.

Submission:

Labcorp Genetics (formerly Invitae), Labcorp
Classification: Uncertain significance for Familial adenomatous polyposis 1. Last evaluated: 2023-12-24. Review status: criteria provided, single submitter. Criteria: Invitae Variant Classification Sherloc (09022015). Collection method: clinical testing. Allele origin: germline.
Comment: This sequence change replaces valine, which is neutral and non-polar, with alanine, which is neutral and non-polar, at codon 2711 of the APC protein (p.Val2711Ala). This variant is not present in population databases (gnomAD no frequency). This variant has not been reported in the literature in individuals affected with APC-related conditions. Advanced modeling of protein sequence and biophysical properties (such as structural, functional, and spatial information, amino acid conservation, physicochemical variation, residue mobility, and thermodynamic stability) performed at Invitae indicates that this missense variant is not expected to disrupt APC protein function with a negative predictive value of 95%. In summary, the available evidence is currently insufficient to determine the role of this variant in disease. Therefore, it has been classified as a Variant of Uncertain Significance.

NM_000038.6(APC):c.8132T>C (p.Val2711Ala)

Gene: APC (APC regulator of Wnt signaling pathway; plus strand). Cytogenetic location: 5q22.2.
Variant type: single nucleotide variant.
Coding change: c.8132T>C on transcript NM_000038.6 (MANE Select); coding-DNA position 8132, T replaced by C.
Protein change: p.Val2711Ala; replaces valine 2711 with alanine.
Molecular consequence: missense variant. On other transcripts: non-coding transcript variant (2).
Genome position (GRCh38, 1-based): chr5:112,843,726, T>C. VCF-style: chr5-112843726-T-C. GRCh37 (hg19) VCF-style: chr5-112179423-T-C.
Other names: c.8132T>C, p.Val2711Ala (NM_001127510.3, NM_001354895.2, NM_001407450.1); c.8078T>C, p.Val2693Ala (NM_001127511.3); c.8186T>C, p.Val2729Ala (NM_001354896.2, NM_001407447.1, NM_001407448.1 and 1 more transcripts); c.8162T>C, p.Val2721Ala (NM_001354897.2); c.8057T>C, p.Val2686Ala (NM_001354898.2); c.8048T>C, p.Val2683Ala (NM_001354899.2); c.8009T>C, p.Val2670Ala (NM_001354900.2); c.7955T>C, p.Val2652Ala (NM_001354901.2, NM_001407453.1); and 11 more; short protein forms V2327A, V2582A, V2585A, V2610A, V2693A, V2711A, V2551A, V2686A.
Identifiers: ClinVar variation 2973653 (VCV002973653.3), dbSNP rs2149999723, ClinGen allele CA16038996.